The following is an entry in ClinVar:

NM_000539.3(RHO):c.936+12G>A

Gene: RHO (rhodopsin; plus strand). Cytogenetic location: 3q22.1.
Variant type: single nucleotide variant.
Coding change: c.936+12G>A on transcript NM_000539.3 (MANE Select); 12 bases into the intron after coding-DNA position 936, G replaced by A.
Molecular consequence: intron variant.
Genome position (GRCh38, 1-based): chr3:129,532,784, G>A. VCF-style: chr3-129532784-G-A. GRCh37 (hg19) VCF-style: chr3-129251627-G-A.
Identifiers: ClinVar variation 3001925 (VCV003001925.4), dbSNP rs1199889529, ClinGen allele CA546417866.
Genomic context (GRCh38, chr3:129,532,784, plus strand): 5'-GAGCGCCGCCATCTACAACCCTGTCATCTATATCATGATGAACAAGCAGGTGCCTACTGC[G>A]GGTGGGAGGGCCCCAGTGCCCCAGGCCACAGGCGCTGCCTGCCAAGGACAAGCTACTTCC-3'

ClinVar aggregate classification (germline): Uncertain significance. Review status: criteria provided, multiple submitters, no conflicts (2 of 4 stars). 2 submissions from 2 submitters: Uncertain significance (2). Last evaluated 2023-11-28.

Allele frequency attached by ClinVar (database versions not stated): gnomAD exomes 0.00001; gnomAD 0.00003; TOPMed 0.00005.
gnomAD v4.1: 21 of 1,613,620 alleles (0.0013%); highest among the groups gnomAD compares: Middle Eastern, 0.016%; no homozygotes.

Submissions (2):

Labcorp Genetics (formerly Invitae), Labcorp
Classification: Uncertain significance. Last evaluated: 2023-11-28. Review status: criteria provided, single submitter. Criteria: Invitae Variant Classification Sherloc (09022015). Collection method: clinical testing. Allele origin: germline.
Comment: This sequence change falls in intron 4 of the RHO gene. It does not directly change the encoded amino acid sequence of the RHO protein. This variant is present in population databases (no rsID available, gnomAD 0.01%). This variant has not been reported in the literature in individuals affected with RHO-related conditions. Algorithms developed to predict the effect of sequence changes on RNA splicing suggest that this variant may disrupt the consensus splice site. In summary, the available evidence is currently insufficient to determine the role of this variant in disease. Therefore, it has been classified as a Variant of Uncertain Significance.

Blueprint Genetics
Classification: Uncertain significance. Last evaluated: 2021-08-02. Review status: criteria provided, single submitter. Criteria: ACMG Guidelines, 2015. Collection method: clinical testing. Allele origin: germline.